The following is an entry in ClinVar:

NM_016156.6(MTMR2):c.146C>G (p.Ser49Cys)

Gene: MTMR2 (myotubularin related protein 2; minus strand). Cytogenetic location: 11q21.
Variant type: single nucleotide variant.
Coding change: c.146C>G on transcript NM_016156.6 (MANE Select); coding-DNA position 146, C replaced by G.
Protein change: p.Ser49Cys; replaces serine 49 with cysteine.
Molecular consequence: missense variant. On other transcripts: 5 prime UTR variant (3).
Genome position (GRCh38, 1-based): chr11:95,888,196, G>C on the plus strand (C>G on the coding strand, the complement: MTMR2 is on the minus strand). VCF-style: chr11-95888196-G-C. GRCh37 (hg19) VCF-style: chr11-95621360-G-C.
Other names: c.-267C>G (NM_001243571.2); c.-194C>G (NM_201278.3); c.-71C>G (NM_201281.3); short protein forms S49C.
Identifiers: ClinVar variation 1494538 (VCV001494538.4), dbSNP rs1170327910, ClinGen allele CA382406246.

ClinVar aggregate classification (germline): Uncertain significance. Review status: criteria provided, multiple submitters, no conflicts (2 of 4 stars). 2 submissions from 2 submitters: Uncertain significance (2). Last evaluated 2023-03-02.

Conditions:
Charcot-Marie-Tooth disease type 4. Also called: Charcot-Marie-Tooth, Type 4; Charcot-Marie-Tooth disease, type IV. Identifiers: Orphanet 64749, MedGen C4082197, MONDO:0018995.
Charcot-Marie-Tooth disease type 4B1. Also called: CHARCOT-MARIE-TOOTH DISEASE, AUTOSOMAL RECESSIVE, WITH FOCALLY FOLDED MYELIN SHEATHS, AUTOSOMAL RECESSIVE, TYPE 4B1; CHARCOT-MARIE-TOOTH DISEASE, TYPE 4B; Charcot-Marie-Tooth Neuropathy Type 4B1; CHARCOT-MARIE-TOOTH DISEASE, DEMYELINATING, TYPE 4B1. Identifiers: Orphanet 99955, MedGen C1832399, MONDO:0011066, OMIM 601382.

Allele frequency attached by ClinVar (database versions not stated): TOPMed below 0.00001; gnomAD exomes 0.00001 and 0.00002.
gnomAD v4.1: 27 of 1,613,562 alleles (0.0017%); highest among the groups gnomAD compares: Non-Finnish European, 0.0022%; no homozygotes.

Submissions (2):

ARUP Laboratories, Molecular Genetics and Genomics, ARUP Laboratories
Classification: Uncertain significance for Charcot-Marie-Tooth disease type 4B1. Last evaluated: 2023-03-02. Review status: criteria provided, single submitter. Criteria: ARUP Molecular Germline Variant Investigation Process 2024. Collection method: clinical testing. Allele origin: germline.
Comment: The MTMR2 c.146C>G; p.Ser49Cys variant (rs1170327910), to our knowledge, is not reported in the medical literature but is reported in ClinVar (Variation ID: 1494538). This variant is found in the non-Finnish European population with an allele frequency of 0.003% (3/113632 alleles) in the Genome Aggregation Database. Computational analyses are uncertain whether this variant is neutral or deleterious (REVEL: 0.408). Due to limited information, the clinical significance of this variant is uncertain at this time.

Labcorp Genetics (formerly Invitae), Labcorp
Classification: Uncertain significance for Charcot-Marie-Tooth disease type 4. Last evaluated: 2021-11-29. Review status: criteria provided, single submitter. Criteria: Invitae Variant Classification Sherloc (09022015). Collection method: clinical testing. Allele origin: germline.
Comment: This sequence change replaces serine, which is neutral and polar, with cysteine, which is neutral and slightly polar, at codon 49 of the MTMR2 protein (p.Ser49Cys). This variant is present in population databases (no rsID available, gnomAD 0.003%). This variant has not been reported in the literature in individuals affected with MTMR2-related conditions. Advanced modeling of protein sequence and biophysical properties (such as structural, functional, and spatial information, amino acid conservation, physicochemical variation, residue mobility, and thermodynamic stability) performed at Invitae indicates that this missense variant is not expected to disrupt MTMR2 protein function. In summary, the available evidence is currently insufficient to determine the role of this variant in disease. Therefore, it has been classified as a Variant of Uncertain Significance.